The following is an entry in ClinVar:

ClinVar aggregate classification (germline): Uncertain significance (1 of 4 stars; one submission).

Conditions:
Glycine encephalopathy 2 (GCE2). Identifiers: MedGen C5830559, MONDO:0958192, OMIM 620398.

Submission:

Myriad Genetics, Inc.
Classification: Uncertain significance for Glycine encephalopathy 2. Last evaluated: 2025-12-31. Review status: criteria provided, single submitter. Criteria: Myriad Autosomal Dominant, Autosomal Recessive and X-Linked Classification Criteria (2023). Collection method: clinical testing. Allele origin: unknown.
Comment: NM_000481.3(AMT):c.696+5_696+6delGT is an intronic variant classified as a variant of uncertain significance in the context of glycine encephalopathy, AMT-related. c.696+5_696+6delGT has not been observed in cases with relevant disease. Relevant functional assessments of this variant are not available in the literature. c.696+5_696+6delGT has not been observed in referenced population frequency databases. In summary, there is insufficient evidence to classify NM_000481.3(AMT):c.696+5_696+6delGT as pathogenic or benign. Please note: this variant was assessed in the context of healthy population screening.

NM_000481.4(AMT):c.696+1GT[2]

Gene: AMT (aminomethyltransferase; minus strand). Cytogenetic location: 3p21.31.
Variant type: Microsatellite.
Coding change: c.696+1GT[2] on transcript NM_000481.4 (MANE Select); two copies in a row of the 2-base unit GT starting at c.696+1; the reference has three copies in a row; one copy, 2 bases deleted.
Molecular consequence: splice donor variant.
Genome position (GRCh38, 1-based): chr3:49,419,254-49,419,255, AC deleted on the plus strand (GT on the coding strand, the reverse complement: AMT is on the minus strand); deleting any 2 consecutive bases within chr3:49,419,254-49,419,259 gives the same sequence; the position shown is the placement nearest the transcript's 3' end. VCF-style (leftmost placement, unchanged base first): chr3-49419253-GAC-G. GRCh37 (hg19) VCF-style: chr3-49456686-GAC-G.
Other names: c.528+1GT[2] (NM_001164711.2); c.564+1GT[2] (NM_001164710.2); c.696+1GT[2] (NM_001164712.2).
Identifiers: ClinVar variation 5004359 (VCV005004359.1).